The following is an entry in ClinVar:

NM_000355.4(TCN2):c.407A>G (p.Glu136Gly)

Gene: TCN2 (transcobalamin 2; plus strand). Cytogenetic location: 22q12.2.
Variant type: single nucleotide variant.
Coding change: c.407A>G on transcript NM_000355.4 (MANE Select); coding-DNA position 407, A replaced by G.
Protein change: p.Glu136Gly; replaces glutamic acid 136 with glycine.
Molecular consequence: missense variant. On other transcripts: intron variant (1).
Genome position (GRCh38, 1-based): chr22:30,613,022, A>G. VCF-style: chr22-30613022-A-G. GRCh37 (hg19) VCF-style: chr22-31009009-A-G.
Other names: c.346+61A>G (NM_001184726.2); short protein forms E136G.
Identifiers: ClinVar variation 440325 (VCV000440325.8), dbSNP rs1479587262, ClinGen allele CA411209283.

ClinVar aggregate classification (germline): Uncertain significance (1 of 4 stars; one submission).

Allele frequency attached by ClinVar (database versions not stated): gnomAD exomes below 0.00001.
gnomAD v4.1: 1 of 1,614,054 alleles (0.000062%); highest among the groups gnomAD compares: Non-Finnish European, 0.000085%; no homozygotes.

Submission:

ARUP Laboratories, Molecular Genetics and Genomics, ARUP Laboratories
Classification: Uncertain significance. Last evaluated: 2017-05-23. Review status: criteria provided, single submitter. Criteria: ARUP Molecular Germline Variant Investigation Process. Collection method: clinical testing. Allele origin: germline.
Comment: The p.Glu136Gly variant has not been reported in the medical literature, gene specific variation databases, nor has it been previously identified by our laboratory. This variant is listed in the genome Aggregation Database (gnomAD) with an overall population frequency of 0.0004 percent (identified on 1 out of 245956 chromosomes). The glutamic acid at position 136 is highly conserved, up to Tetraodon (considering 11 species) (Alamut v.2.9.0) and computational analyses of the effects of the p.Glu136Gly variant on protein structure and function predict a deleterious effect (SIFT: damaging, MutationTaster: disease causing, PolyPhen-2: probably damaging). Altogether, there is not enough evidence to classify the p.Glu136Gly variant with certainty.